The following is an entry in ClinVar:

NM_018127.7(ELAC2):c.395G>C (p.Gly132Ala)

Gene: ELAC2 (elaC ribonuclease Z 2; minus strand). Cytogenetic location: 17p12.
Variant type: single nucleotide variant.
Coding change: c.395G>C on transcript NM_018127.7 (MANE Select); coding-DNA position 395, G replaced by C.
Protein change: p.Gly132Ala; replaces glycine 132 with alanine.
Molecular consequence: missense variant.
Genome position (GRCh38, 1-based): chr17:13,015,805, C>G on the plus strand (G>C on the coding strand, the complement: ELAC2 is on the minus strand). VCF-style: chr17-13015805-C-G. GRCh37 (hg19) VCF-style: chr17-12919122-C-G.
Other names: p.Gly132Ala; c.395G>C, p.Gly132Ala (NM_001165962.2, NM_173717.2); short protein forms G132A.
Identifiers: ClinVar variation 944973 (VCV000944973.6), dbSNP rs377463613, ClinGen allele CA8401681.
Genomic context (GRCh38, chr17:13,015,805, plus strand): 5'-AAGATGTGTCAGGAAAGACTCACCAGTTGTGGAGGTCCAGAAAGTACACACTTTGGAAGC[C>G]CGGTTTCCTTTAAAGTAAGAATCATTCCTAAAAAGGATGCATAAAATCAGATCTCTCATC-3'
Protein context (NP_060597.4, residues 122-142): SGMILTLKET[Gly132Ala]LPKCVLSGPP

ClinVar aggregate classification (germline): Uncertain significance. Review status: criteria provided, multiple submitters, no conflicts (2 of 4 stars). 4 submissions from 4 submitters: Uncertain significance (4). Last evaluated 2024-06-21.

Conditions:
Combined oxidative phosphorylation defect type 17. Also called: Combined oxidative phosphorylation deficiency 17. Identifiers: Orphanet 369913, MedGen C3809526, MONDO:0014190, OMIM 615440.

Allele frequency attached by ClinVar (database versions not stated): gnomAD 0.00010 and 0.00011; ExAC 0.00007; TOPMed 0.00010; gnomAD exomes 0.00013 and 0.00008; ESP Exome Variant Server 0.00015.
gnomAD v4.1: 206 of 1,613,872 alleles (0.013%); highest among the groups gnomAD compares: Non-Finnish European, 0.016%; no homozygotes.

Submissions (4):

Mayo Clinic Laboratories, Mayo Clinic
Classification: Uncertain significance. Last evaluated: 2024-06-21. Review status: criteria provided, single submitter. Criteria: ACMG Guidelines, 2015. Collection method: clinical testing. Allele origin: germline. Observed: 2 variant alleles.

Blueprint Genetics
Classification: Uncertain significance. Last evaluated: 2024-04-17. Review status: criteria provided, single submitter. Criteria: ACMG Guidelines, 2015. Collection method: clinical testing. Allele origin: germline.

Labcorp Genetics (formerly Invitae), Labcorp
Classification: Uncertain significance for Combined oxidative phosphorylation defect type 17. Last evaluated: 2022-10-13. Review status: criteria provided, single submitter. Criteria: Invitae Variant Classification Sherloc (09022015). Collection method: clinical testing. Allele origin: germline.
Comment: This sequence change replaces glycine, which is neutral and non-polar, with alanine, which is neutral and non-polar, at codon 132 of the ELAC2 protein (p.Gly132Ala). This variant is present in population databases (rs377463613, gnomAD 0.009%). This variant has not been reported in the literature in individuals affected with ELAC2-related conditions. ClinVar contains an entry for this variant (Variation ID: 944973). Advanced modeling of protein sequence and biophysical properties (such as structural, functional, and spatial information, amino acid conservation, physicochemical variation, residue mobility, and thermodynamic stability) has been performed at Invitae for this missense variant, however the output from this modeling did not meet the statistical confidence thresholds required to predict the impact of this variant on ELAC2 protein function. In summary, the available evidence is currently insufficient to determine the role of this variant in disease. Therefore, it has been classified as a Variant of Uncertain Significance.

Breakthrough Genomics
Classification: Uncertain significance. Review status: criteria provided, single submitter. Criteria: ACMG Guidelines, 2015. Collection method: not provided. Allele origin: germline. Inheritance: Autosomal recessive inheritance. Affected: yes.